The following is an entry in ClinVar:

ClinVar aggregate classification (germline): Uncertain significance (1 of 4 stars; one submission).

Conditions:
LAMA2-related muscular dystrophy (LAMA2-RD). Also called: Laminin alpha 2-related dystrophy. Identifiers: MedGen C5679788, MONDO:0100228.

Submission:

Labcorp Genetics (formerly Invitae), Labcorp
Classification: Uncertain significance for LAMA2-related muscular dystrophy. Last evaluated: 2025-10-02. Review status: criteria provided, single submitter. Criteria: Invitae Variant Classification Sherloc (09022015). Collection method: clinical testing. Allele origin: germline.
Comment: This sequence change replaces leucine, which is neutral and non-polar, with valine, which is neutral and non-polar, at codon 2065 of the LAMA2 protein (p.Leu2065Val). This variant is not present in population databases (gnomAD no frequency). This variant has not been reported in the literature in individuals affected with LAMA2-related conditions. ClinVar contains an entry for this variant (Variation ID: 3606011). Invitae Evidence Modeling of protein sequence and biophysical properties (such as structural, functional, and spatial information, amino acid conservation, physicochemical variation, residue mobility, and thermodynamic stability) indicates that this missense variant is not expected to disrupt LAMA2 protein function with a negative predictive value of 95%. In summary, the available evidence is currently insufficient to determine the role of this variant in disease. Therefore, it has been classified as a Variant of Uncertain Significance.

NM_000426.4(LAMA2):c.6193C>G (p.Leu2065Val)

Genes: LAMA2 (laminin subunit alpha 2; plus strand), LOC123864065 (Sharpr-MPRA regulatory region 661; plus strand). Cytogenetic location: 6q22.33.
Variant type: single nucleotide variant.
Coding change: c.6193C>G on transcript NM_000426.4 (MANE Select); coding-DNA position 6193, C replaced by G.
Protein change: p.Leu2065Val; replaces leucine 2065 with valine.
Molecular consequence: missense variant.
Genome position (GRCh38, 1-based): chr6:129,440,923, C>G. VCF-style: chr6-129440923-C-G. GRCh37 (hg19) VCF-style: chr6-129762068-C-G.
Other names: c.6193C>G, p.Leu2065Val (NM_001079823.2); short protein forms L2065V.
Identifiers: ClinVar variation 3606011 (VCV003606011.2).